The following is an entry in ClinVar:

NM_002691.4(POLD1):c.1016C>T (p.Ser339Leu)

Gene: POLD1 (DNA polymerase delta 1, catalytic subunit; plus strand). Cytogenetic location: 19q13.33.
Variant type: single nucleotide variant.
Coding change: c.1016C>T on transcript NM_002691.4 (MANE Select); coding-DNA position 1016, C replaced by T.
Protein change: p.Ser339Leu; replaces serine 339 with leucine.
Molecular consequence: missense variant. On other transcripts: non-coding transcript variant (1).
Genome position (GRCh38, 1-based): chr19:50,403,098, C>T. VCF-style: chr19-50403098-C-T. GRCh37 (hg19) VCF-style: chr19-50906355-C-T.
Other names: c.1016C>T, p.Ser339Leu (NM_001256849.1, NM_001308632.1); short protein forms S339L.
Identifiers: ClinVar variation 818266 (VCV000818266.13), dbSNP rs866500487, ClinGen allele CA406977991.

ClinVar aggregate classification (germline): Uncertain significance. Review status: criteria provided, multiple submitters, no conflicts (2 of 4 stars). 3 submissions from 3 submitters: Uncertain significance (3). Last evaluated 2025-08-12.

Conditions:
Hereditary cancer-predisposing syndrome. Also called: Hereditary Cancer Syndrome; Hereditary neoplastic syndrome; Neoplastic Syndromes, Hereditary; Tumor predisposition. Identifiers: Orphanet 140162, MedGen C0027672, MeSH D009386, MONDO:0015356.
POLD1-related polyposis and colorectal cancer syndrome (CRCS10). Also called: Colorectal cancer, susceptibility to, 10; Colorectal cancer 10; COLORECTAL CANCER, SUSCEPTIBILITY TO, ON CHROMOSOME 19q. Identifiers: Orphanet 220460, MedGen C2675481, MONDO:0012953, OMIM 612591.

Allele frequency attached by ClinVar (database versions not stated): gnomAD exomes 0.00001.
gnomAD v4.1: 3 of 1,565,020 alleles (0.00019%); highest among the groups gnomAD compares: Admixed American, 0.0019%; no homozygotes.

Submissions (3):

Labcorp Genetics (formerly Invitae), Labcorp
Classification: Uncertain significance for POLD1-related polyposis and colorectal cancer syndrome. Last evaluated: 2025-08-12. Review status: criteria provided, single submitter. Criteria: Invitae Variant Classification Sherloc (09022015). Collection method: clinical testing. Allele origin: germline.
Comment: This sequence change replaces serine, which is neutral and polar, with leucine, which is neutral and non-polar, at codon 339 of the POLD1 protein (p.Ser339Leu). The frequency data for this variant in the population databases is considered unreliable, as metrics indicate poor data quality at this position in the gnomAD database. This variant has not been reported in the literature in individuals affected with POLD1-related conditions. ClinVar contains an entry for this variant (Variation ID: 818266). Invitae Evidence Modeling of protein sequence and biophysical properties (such as structural, functional, and spatial information, amino acid conservation, physicochemical variation, residue mobility, and thermodynamic stability) indicates that this missense variant is not expected to disrupt POLD1 protein function with a negative predictive value of 80%. In summary, the available evidence is currently insufficient to determine the role of this variant in disease. Therefore, it has been classified as a Variant of Uncertain Significance.

GeneDx
Classification: Uncertain significance. Last evaluated: 2023-05-03. Review status: criteria provided, single submitter. Criteria: GeneDx Variant Classification Process June 2021. Collection method: clinical testing. Allele origin: germline. Affected: yes.
Comment: Not observed at significant frequency in large population cohorts (gnomAD); In silico analysis supports that this missense variant has a deleterious effect on protein structure/function; Has not been previously published as pathogenic or benign to our knowledge; This variant is associated with the following publications: (PMID: 25303977, 29056344, 20951805)

Ambry Genetics
Classification: Uncertain significance for Hereditary cancer-predisposing syndrome. Last evaluated: 2021-06-04. Review status: criteria provided, single submitter. Criteria: Ambry Variant Classification Scheme 2023. Collection method: clinical testing. Allele origin: germline.